The following is an entry in ClinVar:

NM_000535.7(PMS2):c.1413G>C (p.Gln471His)

Gene: PMS2 (PMS1 homolog 2, mismatch repair system component; minus strand). Cytogenetic location: 7p22.1.
Variant type: single nucleotide variant.
Coding change: c.1413G>C on transcript NM_000535.7 (MANE Select); coding-DNA position 1413, G replaced by C.
Protein change: p.Gln471His; replaces glutamine 471 with histidine.
Molecular consequence: missense variant. On other transcripts: non-coding transcript variant (1), intron variant (1).
Genome position (GRCh38, 1-based): chr7:5,987,352, C>G on the plus strand (G>C on the coding strand, the complement: PMS2 is on the minus strand). VCF-style: chr7-5987352-C-G. GRCh37 (hg19) VCF-style: chr7-6026983-C-G.
Other names: c.1008G>C, p.Gln336His (NM_001322003.2, NM_001322004.2, NM_001322005.2 and 16 more transcripts); c.1257G>C, p.Gln419His (NM_001322006.2, NM_001406870.1); c.1095G>C, p.Gln365His (NM_001322007.2, NM_001322008.2, NM_001406876.1 and 2 more transcripts); c.852G>C, p.Gln284His (NM_001322010.2, NM_001406906.1, NM_001406907.1); c.480G>C, p.Gln160His (NM_001322011.2, NM_001322012.2); c.840G>C, p.Gln280His (NM_001322013.2, NM_001406909.1); c.1413G>C, p.Gln471His (NM_001322014.2, NM_001406871.1, NM_001406872.1); c.1104G>C, p.Gln368His (NM_001322015.2, NM_001406875.1, NM_001406877.1 and 5 more transcripts); and 13 more; short protein forms Q160H, Q214H, Q284H, Q313H, Q349H, Q359H, Q415H, Q419H.
Identifiers: ClinVar variation 3421533 (VCV003421533.1).

ClinVar aggregate classification (germline): Uncertain significance (1 of 4 stars; one submission).

Conditions:
Hereditary cancer-predisposing syndrome. Also called: Neoplastic Syndromes, Hereditary; Tumor predisposition; Hereditary Cancer Syndrome; Hereditary neoplastic syndrome. Identifiers: Orphanet 140162, MedGen C0027672, MeSH D009386, MONDO:0015356.

gnomAD v4.1: 1 of 1,614,170 alleles (0.000062%); highest among the groups gnomAD compares: Non-Finnish European, 0.000085%; no homozygotes.

Submission:

Ambry Genetics
Classification: Uncertain significance for Hereditary cancer-predisposing syndrome. Last evaluated: 2024-11-09. Review status: criteria provided, single submitter. Criteria: Ambry Variant Classification Scheme 2023. Collection method: clinical testing. Allele origin: germline.
Comment: The p.Q471H variant (also known as c.1413G>C), located in coding exon 11 of the PMS2 gene, results from a G to C substitution at nucleotide position 1413. The glutamine at codon 471 is replaced by histidine, an amino acid with highly similar properties. This amino acid position is conserved. In addition, this alteration is predicted to be tolerated by in silico analysis. Based on the available evidence, the clinical significance of this variant remains unclear.